The following is an entry in ClinVar:

ClinVar aggregate classification (germline): Pathogenic/Likely pathogenic. Review status: criteria provided, multiple submitters, no conflicts (2 of 4 stars). 3 submissions from 3 submitters: Pathogenic (1); Likely pathogenic (2). Last evaluated 2025-03-17.

Conditions:
Nemaline myopathy. Also called: Myopathies, Nemaline. Identifiers: Orphanet 607, MedGen C0206157, MONDO:0018958.
Nemaline myopathy 2 (NEM2). Also called: Nemaline myopathy 2, autosomal recessive. Identifiers: MedGen C1850569, MONDO:0009725, OMIM 256030.

Submissions (3):

Broad Center for Mendelian Genomics, Broad Institute of MIT and Harvard
Classification: Likely pathogenic for Nemaline myopathy. Last evaluated: 2025-03-17. Review status: criteria provided, single submitter. Criteria: ACMG Guidelines, 2015. Collection method: curation. Allele origin: germline. Inheritance: Autosomal recessive inheritance.
Comment: The p.Leu3243IlefsTer62 variant in NEB has not been previously reported in the literature in individuals with nemaline myopathy, but has been identified in 0.002% (1/62450) of remaining chromosomes by the Genome Aggregation Database (gnomAD; dbSNP ID: rs1553934562). Although this variant has been seen in the general population in a heterozygous state, its frequency is low enough to be consistent with a recessive carrier frequency. This variant has also been reported in ClinVar (Variation ID: 465655) and has been interpreted as pathogenic by Invitae. This variant is predicted to cause a frameshift, which alters the protein‚Äôs amino acid sequence beginning at position 3243 and leads to a premature termination codon 62 amino acids downstream. This alteration is then predicted to lead to a truncated or absent protein. Loss of function of the NEB gene is an established disease mechanism in autosomal recessive nemaline myopathy. In summary, although additional studies are required to fully establish its clinical significance, this variant is likely pathogenic for autosomal recessive nemaline myopathy. ACMG/AMP Criteria applied: PVS1, PM2_supporting (Richards 2015).

Natera, Inc.
Classification: Likely pathogenic for Nemaline myopathy type 2. Last evaluated: 2024-10-24. Review status: criteria provided, single submitter. Criteria: Natera Variant Classification Schema (03/2026). Collection method: clinical testing. Allele origin: germline.
Comment: The c.9726_9727insAT variant in NEB is a frameshift variant predicted to shift the reading frame beginning at codon 3243 and leads to a stop codon 62 codons downstream. This variant is expected to result in nonsense mediated decay, truncation, or a dysfunctional protein product. This variant is rare in the general population with a frequency below the threshold expected for the associated phenotype(s). Given the available evidence, this variant is classified as Likely Pathogenic.

Labcorp Genetics (formerly Invitae), Labcorp
Classification: Pathogenic for Nemaline myopathy 2. Last evaluated: 2023-08-03. Review status: criteria provided, single submitter. Criteria: Invitae Variant Classification Sherloc (09022015). Collection method: clinical testing. Allele origin: germline.
Comment: This variant has not been reported in the literature in individuals affected with NEB-related conditions. This variant is not present in population databases (gnomAD no frequency). This sequence change creates a premature translational stop signal (p.Leu3243Ilefs*62) in the NEB gene. It is expected to result in an absent or disrupted protein product. Loss-of-function variants in NEB are known to be pathogenic (PMID: 25205138). ClinVar contains an entry for this variant (Variation ID: 465655). For these reasons, this variant has been classified as Pathogenic.

Literature cited by the submitters: PubMed 25205138 (cited by Labcorp Genetics (formerly Invitae), Labcorp).

NM_001164508.2(NEB):c.9726_9727insAT (p.Leu3243fs)

Gene: NEB (nebulin; minus strand). Cytogenetic location: 2q23.3.
Variant type: Insertion.
Coding change: c.9726_9727insAT on transcript NM_001164508.2 (MANE Select); coding-DNA positions 9726 to 9727, AT inserted.
Protein change: p.Leu3243fs; shifts the reading frame from leucine 3243.
Molecular consequence: frameshift variant.
Genome position: GRCh38 VCF-style: chr2-151629643-G-GAT. GRCh37 (hg19) VCF-style: chr2-152486157-G-GAT.
Other names: NM_001164508.2(NEB):c.9726_9727insAT; p.Leu3243fs; c.9726_9727insAT, p.Leu3243fs (NM_001164507.2, NM_001271208.2); c.8997_8998insAT, p.Leu3000fs (NM_004543.5); short protein forms L3000fs, L3243fs.
Identifiers: ClinVar variation 465655 (VCV000465655.8), dbSNP rs1553934562, ClinGen allele CA658657073.